The following is an entry in ClinVar:

NM_014297.5(ETHE1):c.622G>T (p.Glu208Ter)

Gene: ETHE1 (ETHE1 persulfide dioxygenase; minus strand). Cytogenetic location: 19q13.31.
Variant type: single nucleotide variant.
Coding change: c.622G>T on transcript NM_014297.5 (MANE Select); coding-DNA position 622, G replaced by T.
Protein change: p.Glu208Ter; replaces glutamic acid 208 with a stop codon.
Molecular consequence: nonsense.
Genome position (GRCh38, 1-based): chr19:43,508,034, C>A on the plus strand (G>T on the coding strand, the complement: ETHE1 is on the minus strand). VCF-style: chr19-43508034-C-A. GRCh37 (hg19) VCF-style: chr19-44012186-C-A.
Other names: c.589G>T, p.Glu197Ter (NM_001320867.2); c.253G>T, p.Glu85Ter (NM_001320868.2); c.328G>T, p.Glu110Ter (NM_001320869.2); short protein forms E197*, E110*, E85*, E208*.
Identifiers: ClinVar variation 1361099 (VCV001361099.6), dbSNP rs2145977394, ClinGen allele CA406175023.

ClinVar aggregate classification (germline): Pathogenic (1 of 4 stars; one submission).

Conditions:
Ethylmalonic encephalopathy (EE). Also called: EPEMA syndrome; Encephalopathy, petechiae, and ethylmalonic aciduria; Syndrome of encephalopathy, petechiae, and ethylmalonic aciduria. Identifiers: Orphanet 51188, MedGen C1865349, MONDO:0011229, OMIM 602473. Disease mechanism: loss of function.

Submission:

Labcorp Genetics (formerly Invitae), Labcorp
Classification: Pathogenic for Ethylmalonic encephalopathy. Last evaluated: 2021-09-09. Review status: criteria provided, single submitter. Criteria: Invitae Variant Classification Sherloc (09022015). Collection method: clinical testing. Allele origin: germline.
Comment: For these reasons, this variant has been classified as Pathogenic. This variant has not been reported in the literature in individuals affected with ETHE1-related conditions. This variant is not present in population databases (ExAC no frequency). This sequence change creates a premature translational stop signal (p.Glu208*) in the ETHE1 gene. It is expected to result in an absent or disrupted protein product. Loss-of-function variants in ETHE1 are known to be pathogenic (PMID: 14732903, 19136963).

Literature cited by the submitters: PubMed 14732903; PubMed 19136963.